The following is an entry in ClinVar:

ClinVar aggregate classification (germline): Uncertain significance. Review status: criteria provided, multiple submitters, no conflicts (2 of 4 stars). 3 submissions from 3 submitters: Uncertain significance (2). 1 of the submissions does not count toward it. Last evaluated 2025-04-07.

Conditions:
Senior-Loken syndrome 7 (SLSN7). Identifiers: Orphanet 3156, MedGen C3150877, MONDO:0013326, OMIM 613615.
Bardet-Biedl syndrome 16 (BBS16). Identifiers: Orphanet 110, MedGen C3889474, MONDO:0014444, OMIM 615993.
SDCCAG8-related disorder. Also called: SDCCAG8-Related Disorders; SDCCAG8-related condition.

gnomAD v4.1: 3 of 1,558,470 alleles (0.00019%); highest among the groups gnomAD compares: African/African-American, 0.0041%; no homozygotes.

Submissions (3):

Women's Health and Genetics/Laboratory Corporation of America, LabCorp
Classification: Uncertain significance. Last evaluated: 2025-04-07. Review status: criteria provided, single submitter. Criteria: LabCorp Variant Classification Summary - May 2015. Collection method: clinical testing. Allele origin: germline.

Fulgent Genetics
Classification: Uncertain significance for Senior-Loken syndrome 7; Bardet-Biedl syndrome 16. Last evaluated: 2024-02-14. Review status: criteria provided, single submitter. Criteria: ACMG Guidelines, 2015. Collection method: clinical testing. Allele origin: germline.

PreventionGenetics, part of Exact Sciences
Classification: Uncertain significance for SDCCAG8-related condition. Last evaluated: 2024-03-15. Review status: no assertion criteria provided. Collection method: clinical testing. Allele origin: germline. Not counted in ClinVar's aggregate classification.
Comment: The SDCCAG8 c.740+3A>G variant is predicted to interfere with splicing. To our knowledge, this variant has not been reported in the literature or in a large population database, indicating this variant is rare. At this time, the clinical significance of this variant is uncertain due to the absence of conclusive functional and genetic evidence.

NM_006642.5(SDCCAG8):c.740+3A>G

Gene: SDCCAG8 (SHH signaling and ciliogenesis regulator SDCCAG8; plus strand). Cytogenetic location: 1q43.
Variant type: single nucleotide variant.
Coding change: c.740+3A>G on transcript NM_006642.5 (MANE Select); 3 bases into the intron after coding-DNA position 740, A replaced by G.
Molecular consequence: intron variant.
Genome position (GRCh38, 1-based): chr1:243,304,780, A>G. VCF-style: chr1-243304780-A-G. GRCh37 (hg19) VCF-style: chr1-243468082-A-G.
Other names: c.446+3A>G (NM_001350249.2); c.-538+3A>G (NM_001350251.2); c.836+3A>G (NM_001350248.2); c.-373+3A>G (NM_001350246.2); c.-261+3A>G (NM_001350247.2).
Identifiers: ClinVar variation 3355635 (VCV003355635.4).